The following is an entry in ClinVar:

NM_016627.5(AMZ2):c.1068T>A (p.Ala356=)

Gene: AMZ2 (archaelysin family metallopeptidase 2; plus strand). Cytogenetic location: 17q24.2.
Variant type: single nucleotide variant.
Coding change: c.1068T>A on transcript NM_016627.5 (MANE Select); coding-DNA position 1068, T replaced by A.
Protein change: p.Ala356=; no amino-acid change (alanine 356 retained).
Molecular consequence: synonymous variant. On other transcripts: non-coding transcript variant (2).
Genome position (GRCh38, 1-based): chr17:68,256,954, T>A. VCF-style: chr17-68256954-T-A. GRCh37 (hg19) VCF-style: chr17-66253095-T-A.
Other names: c.1068T>A, p.Ala356= (NM_001033569.2, NM_001033570.2, NM_001033571.1 and 12 more transcripts); c.894T>A, p.Ala298= (NM_001033574.2, NM_001346480.1); c.966T>A, p.Ala322= (NM_001346481.1, NM_001346482.1, NM_001346483.2 and 1 more transcripts); c.900T>A, p.Ala300= (NM_001346485.2).
Identifiers: ClinVar variation 3060666 (VCV003060666.2), dbSNP rs7105, ClinGen allele CA8727729.
Genomic context (GRCh38, chr17:68,256,954, plus strand): 5'-TTTACCGAAACCCGTGGAAGCCTTTAAGGAATGGAAAGAGTGGATAATAAAATGCCTGGC[T>A]GTTCTCCAAAAATGAGGACCTTCAAATAGGAGTGATTGAAATAAATAACTACTTGCATGT-3'
Protein context (NP_057711.3, residues 346-360): EWKEWIIKCL[Ala356=]VLQK

ClinVar aggregate classification (germline): Benign (0 of 4 stars; one submission).

Conditions:
AMZ2-related disorder. Also called: AMZ2-related condition.

Allele frequency attached by ClinVar (database versions not stated): ESP Exome Variant Server 0.31332; TOPMed 0.32301; gnomAD 0.32457; gnomAD exomes 0.33609; ExAC 0.34922; 1000 Genomes Project 30x 0.36181; 1000 Genomes Project 0.37061.
gnomAD v4.1: 539,774 of 1,612,536 alleles (33%); highest among the groups gnomAD compares: East Asian, 49%; 92,007 homozygotes.

Submission:

PreventionGenetics, part of Exact Sciences
Classification: Benign for AMZ2-related condition. Last evaluated: 2019-10-17. Review status: no assertion criteria provided. Collection method: clinical testing. Allele origin: germline.
Comment: This variant is classified as benign based on ACMG/AMP sequence variant interpretation guidelines (Richards et al. 2015 PMID: 25741868, with internal and published modifications).